The following is an entry in ClinVar:

NM_021067.5(GINS1):c.104A>G (p.Glu35Gly)

Gene: GINS1 (GINS complex subunit 1; plus strand). Cytogenetic location: 20p11.21.
Variant type: single nucleotide variant.
Coding change: c.104A>G on transcript NM_021067.5 (MANE Select); coding-DNA position 104, A replaced by G.
Protein change: p.Glu35Gly; replaces glutamic acid 35 with glycine.
Molecular consequence: missense variant. On other transcripts: non-coding transcript variant (1).
Genome position (GRCh38, 1-based): chr20:25,413,818, A>G. VCF-style: chr20-25413818-A-G. GRCh37 (hg19) VCF-style: chr20-25394454-A-G.
Other names: p.Glu35Gly; c.104A>G (NM_021067.4); short protein forms E35G.
Identifiers: ClinVar variation 1167189 (VCV001167189.13), dbSNP rs140932797, ClinGen allele CA9796408.

ClinVar aggregate classification (germline): Benign/Likely benign. Review status: criteria provided, multiple submitters, no conflicts (2 of 4 stars). 4 submissions from 4 submitters: Benign (2); Likely benign (1). 1 of the submissions does not count toward it. Last evaluated 2026-01-16.

Conditions:
GINS1-related disorder. Also called: GINS1-related condition.

Allele frequency attached by ClinVar (database versions not stated): gnomAD exomes 0.00043 and 0.00119; ExAC 0.00136; 1000 Genomes Project 0.00379; 1000 Genomes Project 30x 0.00390; ESP Exome Variant Server 0.00400; gnomAD 0.00423 and 0.00461; TOPMed 0.00479.
gnomAD v4.1: 1,267 of 1,586,188 alleles (0.08%); highest among the groups gnomAD compares: African/African-American, 1.5%; 14 homozygotes.

Submissions (4):

Labcorp Genetics (formerly Invitae), Labcorp
Classification: Benign. Last evaluated: 2026-01-16. Review status: criteria provided, single submitter. Criteria: Invitae Variant Classification Sherloc (09022015). Collection method: clinical testing. Allele origin: germline.

Blueprint Genetics
Classification: Likely benign. Last evaluated: 2024-11-27. Review status: criteria provided, single submitter. Criteria: ACMG Guidelines, 2015. Collection method: clinical testing. Allele origin: germline.

Mayo Clinic Laboratories, Mayo Clinic
Classification: Benign. Last evaluated: 2024-01-11. Review status: criteria provided, single submitter. Criteria: ACMG Guidelines, 2015. Collection method: clinical testing. Allele origin: germline. Observed: 4 variant alleles.
Comment: BS1, BS2

PreventionGenetics, part of Exact Sciences
Classification: Benign for GINS1-related condition. Last evaluated: 2019-02-22. Review status: no assertion criteria provided. Collection method: clinical testing. Allele origin: germline. Not counted in ClinVar's aggregate classification.
Comment: This variant is classified as benign based on ACMG/AMP sequence variant interpretation guidelines (Richards et al. 2015 PMID: 25741868, with internal and published modifications).